The following is an entry in ClinVar:

ClinVar aggregate classification (germline): Likely pathogenic (1 of 4 stars; one submission).

Conditions:
Glycogen storage disease, type II (IOPD). Also called: Glucosidase acid-1,4-alpha deficiency; Pompe Disease; GLYCOGENOSIS, GENERALIZED, CARDIAC FORM; GSD II; POMPE DISEASE, INFANTILE-ONSET; GLYCOGEN STORAGE DISEASE II, INFANTILE-ONSET. Identifiers: Orphanet 365, MedGen C0017921, MONDO:0009290, OMIM 232300.

Submission:

Labcorp Genetics (formerly Invitae), Labcorp
Classification: Likely pathogenic for Glycogen storage disease, type II. Last evaluated: 2021-11-07. Review status: criteria provided, single submitter. Criteria: Invitae Variant Classification Sherloc (09022015). Collection method: clinical testing. Allele origin: germline.
Comment: This sequence change replaces proline, which is neutral and non-polar, with leucine, which is neutral and non-polar, at codon 522 of the GAA protein (p.Pro522Leu). This variant is not present in population databases (gnomAD no frequency). This variant has not been reported in the literature in individuals affected with GAA-related conditions. Advanced modeling of protein sequence and biophysical properties (such as structural, functional, and spatial information, amino acid conservation, physicochemical variation, residue mobility, and thermodynamic stability) performed at Invitae indicates that this missense variant is expected to disrupt GAA protein function. This variant disrupts the p.Pro522 amino acid residue in GAA. Other variant(s) that disrupt this residue have been determined to be pathogenic (PMID: 17643989, 18429042, 26800218, 29422078). This suggests that this residue is clinically significant, and that variants that disrupt this residue are likely to be disease-causing. In summary, the currently available evidence indicates that the variant is pathogenic, but additional data are needed to prove that conclusively. Therefore, this variant has been classified as Likely Pathogenic.

Literature cited by the submitters: PubMed 17643989; PubMed 18429042; PubMed 26800218; PubMed 29422078.

NM_000152.5(GAA):c.1565C>T (p.Pro522Leu)

Gene: GAA (alpha glucosidase; plus strand). Cytogenetic location: 17q25.3.
Variant type: single nucleotide variant.
Coding change: c.1565C>T on transcript NM_000152.5 (MANE Select); coding-DNA position 1565, C replaced by T.
Protein change: p.Pro522Leu; replaces proline 522 with leucine.
Molecular consequence: missense variant.
Genome position (GRCh38, 1-based): chr17:80,110,954, C>T. VCF-style: chr17-80110954-C-T. GRCh37 (hg19) VCF-style: chr17-78084753-C-T.
Other names: c.1565C>T, p.Pro522Leu (NM_001079803.3, NM_001079804.3); short protein forms P522L.
Identifiers: ClinVar variation 1506038 (VCV001506038.6), dbSNP rs2143874287, ClinGen allele CA401367210.
Genomic context (GRCh38, chr17:80,110,954, plus strand): 5'-CTCCTCACTCTGGGCAGAGTCACCTACCAGCAGCGCTTCTCTTGCAGGACATGAACGAGC[C>T]TTCCAACTTCATCAGGGGCTCTGAGGACGGCTGCCCCAACAATGAGCTGGAGAACCCACC-3'
Protein context (NP_000143.2, residues 512-532): FDGMWIDMNE[Pro522Leu]SNFIRGSEDG